The following is an entry in ClinVar:

ClinVar aggregate classification (germline): Uncertain significance (1 of 4 stars; one submission).

Conditions:
Hypertrophic cardiomyopathy. Also called: HYPERTROPHIC MYOCARDIOPATHY. Identifiers: Orphanet 217569, MedGen C0007194, MeSH D002312, MONDO:0005045, HP:0001639.

Submission:

All of Us Research Program, National Institutes of Health
Classification: Uncertain significance for Hypertrophic cardiomyopathy. Last evaluated: 2024-03-05. Review status: criteria provided, single submitter. Criteria: ACMG Guidelines, 2015. Collection method: clinical testing. Allele origin: germline. Inheritance: Autosomal dominant inheritance. Observed: 1 variant allele, 1 heterozygote.
Comment: This study involves interpretation of variants in research participants for the purpose of population health screening. Participant phenotype was not available at the time of variant classification. Additional details can be found in publication PMID: 35346344, PMCID: PMC8962531

NM_000258.3(MYL3):c.173T>C (p.Phe58Ser)

Gene: MYL3 (myosin light chain 3; minus strand). Cytogenetic location: 3p21.31.
Variant type: single nucleotide variant.
Coding change: c.173T>C on transcript NM_000258.3 (MANE Select); coding-DNA position 173, T replaced by C.
Protein change: p.Phe58Ser; replaces phenylalanine 58 with serine.
Molecular consequence: missense variant. On other transcripts: 5 prime UTR variant (2).
Genome position (GRCh38, 1-based): chr3:46,860,810, A>G on the plus strand (T>C on the coding strand, the complement: MYL3 is on the minus strand). VCF-style: chr3-46860810-A-G. GRCh37 (hg19) VCF-style: chr3-46902300-A-G.
Other names: c.173T>C, p.Phe58Ser (NM_001406937.1, NM_001406938.1, NM_001406939.1); c.-2T>C (NM_001406940.1, NM_001406941.1); short protein forms F58S.
Identifiers: ClinVar variation 3387385 (VCV003387385.1).